The following is an entry in ClinVar:

NM_139076.3(ABRAXAS1):c.544G>C (p.Val182Leu)

Gene: ABRAXAS1 (abraxas 1, BRCA1 A complex subunit; minus strand). Cytogenetic location: 4q21.23.
Variant type: single nucleotide variant.
Coding change: c.544G>C on transcript NM_139076.3 (MANE Select); coding-DNA position 544, G replaced by C.
Protein change: p.Val182Leu; replaces valine 182 with leucine.
Molecular consequence: missense variant.
Genome position (GRCh38, 1-based): chr4:83,469,084, C>G on the plus strand (G>C on the coding strand, the complement: ABRAXAS1 is on the minus strand). VCF-style: chr4-83469084-C-G. GRCh37 (hg19) VCF-style: chr4-84390237-C-G.
Other names: c.217G>C, p.Val73Leu (NM_001345962.2); short protein forms V73L, V182L.
Identifiers: ClinVar variation 3444292 (VCV003444292.1).

ClinVar aggregate classification (germline): Uncertain significance (1 of 4 stars; one submission).

Submission:

Ambry Genetics
Classification: Uncertain significance. Last evaluated: 2024-07-09. Review status: criteria provided, single submitter. Criteria: Ambry Variant Classification Scheme 2023. Collection method: clinical testing. Allele origin: germline.
Comment: The p.V182L variant (also known as c.544G>C), located in coding exon 6 of the FAM175A gene, results from a G to C substitution at nucleotide position 544. The valine at codon 182 is replaced by leucine, an amino acid with highly similar properties. This amino acid position is conserved. In addition, this alteration is predicted to be tolerated by in silico analysis. Based on the available evidence, the clinical significance of this variant remains unclear.